The following is an entry in ClinVar:

ClinVar aggregate classification (germline): Uncertain significance (1 of 4 stars; one submission).

Allele frequency attached by ClinVar (database versions not stated): ExAC 0.00001; gnomAD exomes 0.00001; TOPMed 0.00001.
gnomAD v4.1: 6 of 1,611,974 alleles (0.00037%); highest among the groups gnomAD compares: South Asian, 0.0011%; no homozygotes.

Submission:

Labcorp Genetics (formerly Invitae), Labcorp
Classification: Uncertain significance. Last evaluated: 2024-10-29. Review status: criteria provided, single submitter. Criteria: Invitae Variant Classification Sherloc (09022015). Collection method: clinical testing. Allele origin: germline.
Comment: This sequence change replaces methionine, which is neutral and non-polar, with valine, which is neutral and non-polar, at codon 426 of the TYR protein (p.Met426Val). This variant is present in population databases (rs778017680, gnomAD 0.003%). This variant has not been reported in the literature in individuals affected with TYR-related conditions. ClinVar contains an entry for this variant (Variation ID: 1506150). Invitae Evidence Modeling of protein sequence and biophysical properties (such as structural, functional, and spatial information, amino acid conservation, physicochemical variation, residue mobility, and thermodynamic stability) indicates that this missense variant is expected to disrupt TYR protein function with a positive predictive value of 95%. In summary, the available evidence is currently insufficient to determine the role of this variant in disease. Therefore, it has been classified as a Variant of Uncertain Significance.

NM_000372.5(TYR):c.1276A>G (p.Met426Val)

Gene: TYR (tyrosinase; plus strand). Cytogenetic location: 11q14.3.
Variant type: single nucleotide variant.
Coding change: c.1276A>G on transcript NM_000372.5 (MANE Select); coding-DNA position 1276, A replaced by G.
Protein change: p.Met426Val; replaces methionine 426 with valine.
Molecular consequence: missense variant.
Genome position (GRCh38, 1-based): chr11:89,284,864, A>G. VCF-style: chr11-89284864-A-G. GRCh37 (hg19) VCF-style: chr11-89018032-A-G.
Other names: short protein forms M426V.
Identifiers: ClinVar variation 1506150 (VCV001506150.7), dbSNP rs778017680, ClinGen allele CA6221397.